The following is an entry in ClinVar:

NM_002693.3(POLG):c.452T>G (p.Leu151Arg)

Genes: POLG (DNA polymerase gamma, catalytic subunit; minus strand), POLGARF (POLG alternative reading frame; minus strand). Cytogenetic location: 15q26.1.
Variant type: single nucleotide variant.
Coding change: c.452T>G on transcript NM_002693.3 (MANE Select); coding-DNA position 452, T replaced by G.
Protein change: p.Leu151Arg; replaces leucine 151 with arginine.
Molecular consequence: missense variant.
Genome position (GRCh38, 1-based): chr15:89,333,303, A>C on the plus strand (T>G on the coding strand, the complement: POLG is on the minus strand). VCF-style: chr15-89333303-A-C. GRCh37 (hg19) VCF-style: chr15-89876534-A-C.
Other names: c.452T>G, p.Leu151Arg (NM_001126131.2); short protein forms L151R.
Identifiers: ClinVar variation 2794914 (VCV002794914.3), dbSNP rs749018627, ClinGen allele CA393771630.

ClinVar aggregate classification (germline): Uncertain significance (1 of 4 stars; one submission).

Conditions:
Progressive sclerosing poliodystrophy (MTDPS4A). Also called: ALPERS PROGRESSIVE INFANTILE POLIODYSTROPHY; NEURONAL DEGENERATION OF CHILDHOOD WITH LIVER DISEASE, PROGRESSIVE; Alpers Syndrome; ALPERS DIFFUSE DEGENERATION OF CEREBRAL GRAY MATTER WITH HEPATIC CIRRHOSIS; Alpers-Huttenlocher Syndrome; Mitochondrial DNA Depletion Syndrome 4A. Identifiers: Orphanet 726, MedGen C0205710, MONDO:0008758, OMIM 203700.

Submission:

Labcorp Genetics (formerly Invitae), Labcorp
Classification: Uncertain significance for Progressive sclerosing poliodystrophy. Last evaluated: 2024-07-29. Review status: criteria provided, single submitter. Criteria: Invitae Variant Classification Sherloc (09022015). Collection method: clinical testing. Allele origin: germline.
Comment: This sequence change replaces leucine, which is neutral and non-polar, with arginine, which is basic and polar, at codon 151 of the POLG protein (p.Leu151Arg). This variant is not present in population databases (gnomAD no frequency). This variant has not been reported in the literature in individuals affected with POLG-related conditions. Advanced modeling of protein sequence and biophysical properties (such as structural, functional, and spatial information, amino acid conservation, physicochemical variation, residue mobility, and thermodynamic stability) performed at Invitae indicates that this missense variant is expected to disrupt POLG protein function with a positive predictive value of 95%. In summary, the available evidence is currently insufficient to determine the role of this variant in disease. Therefore, it has been classified as a Variant of Uncertain Significance.